The following is an entry in ClinVar:

NM_033305.3(VPS13A):c.9386_9387del (p.Arg3129fs)

Gene: VPS13A (vacuolar protein sorting 13 homolog A; plus strand). Cytogenetic location: 9q21.2.
Variant type: Microsatellite.
Coding change: c.9386_9387del on transcript NM_033305.3 (MANE Select); coding-DNA positions 9386 to 9387, 2 bases deleted (GC; older notation c.9386_9387delGC).
Protein change: p.Arg3129fs; shifts the reading frame from arginine 3129.
Molecular consequence: frameshift variant.
Genome position (GRCh38, 1-based): chr9:77,405,974-77,405,975, GC deleted; deleting any 2 consecutive bases within chr9:77,405,972-77,405,975 gives the same sequence; the c. name uses the placement nearest the transcript's 3' end. VCF-style (leftmost placement, unchanged base first): chr9-77405971-TGC-T. GRCh37 (hg19) VCF-style: chr9-80020887-TGC-T.
Other names: c.9269_9270del, p.Arg3090fs (NM_001018037.2); short protein forms R3090fs, R3129fs.
Identifiers: ClinVar variation 2910857 (VCV002910857.3), dbSNP rs2538318251, ClinGen allele CA2739269327.

ClinVar aggregate classification (germline): Pathogenic (1 of 4 stars; one submission).

Submission:

Labcorp Genetics (formerly Invitae), Labcorp
Classification: Pathogenic. Last evaluated: 2023-12-21. Review status: criteria provided, single submitter. Criteria: Invitae Variant Classification Sherloc (09022015). Collection method: clinical testing. Allele origin: germline.
Comment: This sequence change creates a premature translational stop signal (p.Arg3129Hisfs*2) in the VPS13A gene. It is expected to result in an absent or disrupted protein product. Loss-of-function variants in VPS13A are known to be pathogenic (PMID: 12404112, 21598378). This variant is not present in population databases (gnomAD no frequency). This variant has not been reported in the literature in individuals affected with VPS13A-related conditions. For these reasons, this variant has been classified as Pathogenic.

Literature cited by the submitters: PubMed 12404112; PubMed 21598378.